The following is an entry in ClinVar:

NM_000179.3(MSH6):c.1888G>C (p.Ala630Pro)

Gene: MSH6 (mutS homolog 6; plus strand). Cytogenetic location: 2p16.3.
Variant type: single nucleotide variant.
Coding change: c.1888G>C on transcript NM_000179.3 (MANE Select); coding-DNA position 1888, G replaced by C.
Protein change: p.Ala630Pro; replaces alanine 630 with proline.
Molecular consequence: missense variant.
Genome position (GRCh38, 1-based): chr2:47,799,871, G>C. VCF-style: chr2-47799871-G-C. GRCh37 (hg19) VCF-style: chr2-48027010-G-C.
Other names: c.1498G>C, p.Ala500Pro (NM_001281492.2); c.982G>C, p.Ala328Pro (NM_001281493.2, NM_001281494.2); short protein forms A328P, A500P, A630P.
Identifiers: ClinVar variation 820272 (VCV000820272.16), dbSNP rs1572724808, ClinGen allele CA346750028.
Genomic context (GRCh38, chr2:47,799,871, plus strand): 5'-AAGAGTTCATTGTCCTGTTCTCTTCAGGAAGGTCTGATACCCGGCTCCCAGTTTTGGGAT[G>C]CATCCAAAACTTTGAGAACTCTCCTTGAGGAAGAATATTTTAGGGAAAAGCTAAGTGATG-3'
Protein context (NP_000170.1, residues 620-640): GLIPGSQFWD[Ala630Pro]SKTLRTLLEE

ClinVar aggregate classification (germline): Uncertain significance. Review status: criteria provided, multiple submitters, no conflicts (2 of 4 stars). 4 submissions from 4 submitters: Uncertain significance (4). Last evaluated 2024-12-28.

Conditions:
Hereditary nonpolyposis colorectal neoplasms. Identifiers: MedGen C0009405, MeSH D003123.
Hereditary cancer-predisposing syndrome. Also called: Neoplastic Syndromes, Hereditary; Tumor predisposition; Hereditary Cancer Syndrome; Hereditary neoplastic syndrome. Identifiers: Orphanet 140162, MedGen C0027672, MeSH D009386, MONDO:0015356.
Endometrial carcinoma. Also called: Endometrial carcinoma, somatic. Identifiers: MedGen C0476089, MONDO:0002447, OMIM 608089, HP:0012114.

Submissions (4):

Labcorp Genetics (formerly Invitae), Labcorp
Classification: Uncertain significance for Hereditary nonpolyposis colorectal neoplasms. Last evaluated: 2024-12-28. Review status: criteria provided, single submitter. Criteria: Invitae Variant Classification Sherloc (09022015). Collection method: clinical testing. Allele origin: germline.
Comment: This sequence change replaces alanine, which is neutral and non-polar, with proline, which is neutral and non-polar, at codon 630 of the MSH6 protein (p.Ala630Pro). This variant is not present in population databases (gnomAD no frequency). This variant has not been reported in the literature in individuals affected with MSH6-related conditions. ClinVar contains an entry for this variant (Variation ID: 820272). Invitae Evidence Modeling of protein sequence and biophysical properties (such as structural, functional, and spatial information, amino acid conservation, physicochemical variation, residue mobility, and thermodynamic stability) indicates that this missense variant is not expected to disrupt MSH6 protein function with a negative predictive value of 95%. In summary, the available evidence is currently insufficient to determine the role of this variant in disease. Therefore, it has been classified as a Variant of Uncertain Significance.

Baylor Genetics
Classification: Uncertain significance for Endometrial carcinoma. Last evaluated: 2023-12-15. Review status: criteria provided, single submitter. Criteria: ACMG Guidelines, 2015. Collection method: clinical testing. Allele origin: unknown.

Ambry Genetics
Classification: Uncertain significance for Hereditary cancer-predisposing syndrome. Last evaluated: 2023-11-30. Review status: criteria provided, single submitter. Criteria: Ambry Variant Classification Scheme 2023. Collection method: clinical testing. Allele origin: germline.
Comment: The p.A630P variant (also known as c.1888G>C), located in coding exon 4 of the MSH6 gene, results from a G to C substitution at nucleotide position 1888. The alanine at codon 630 is replaced by proline, an amino acid with highly similar properties. This amino acid position is highly conserved in available vertebrate species. In addition, this alteration is predicted to be deleterious by in silico analysis. Since supporting evidence is limited at this time, the clinical significance of this alteration remains unclear.

GeneDx
Classification: Uncertain significance. Last evaluated: 2021-12-21. Review status: criteria provided, single submitter. Criteria: GeneDx Variant Classification Process June 2021. Collection method: clinical testing. Allele origin: germline. Affected: yes.
Comment: Not observed at significant frequency in large population cohorts (Lek et al., 2016); In silico analysis supports that this missense variant has a deleterious effect on protein structure/function; Has not been previously published as pathogenic or benign to our knowledge; This variant is associated with the following publications: (PMID: 17531815, 21120944)